The following is an entry in ClinVar:

NM_004281.4(BAG3):c.-4C>T

Gene: BAG3 (BAG cochaperone 3; plus strand). Cytogenetic location: 10q26.11.
Variant type: single nucleotide variant.
Coding change: c.-4C>T on transcript NM_004281.4 (MANE Select); 4 bases upstream of the start codon, C replaced by T.
Molecular consequence: 5 prime UTR variant.
Genome position (GRCh38, 1-based): chr10:119,651,672, C>T. VCF-style: chr10-119651672-C-T. GRCh37 (hg19) VCF-style: chr10-121411184-C-T.
Identifiers: ClinVar variation 162766 (VCV000162766.27), dbSNP rs727502894, ClinGen allele CA175275.

ClinVar aggregate classification (germline): Conflicting classifications of pathogenicity. Review status: criteria provided, conflicting classifications (1 of 4 stars). 6 submissions from 5 submitters: Uncertain significance (4); Likely benign (2). Last evaluated 2025-04-09.

Conditions:
Cardiovascular phenotype. Identifiers: MedGen CN230736.
Dilated cardiomyopathy 1HH (CMD1HH). Identifiers: Orphanet 154, MedGen C3151293, MONDO:0013479, OMIM 613881.
Myofibrillar myopathy 6. Identifiers: Orphanet 199340, MedGen C2751831, MONDO:0013061, OMIM 612954.

Allele frequency attached by ClinVar (database versions not stated): gnomAD 0.00006 and 0.00007; gnomAD exomes 0.00009; TOPMed 0.00009; ExAC 0.00011; 1000 Genomes Project 30x 0.00031.
gnomAD v4.1: 153 of 1,577,202 alleles (0.0097%); highest among the groups gnomAD compares: Non-Finnish European, 0.013%; no homozygotes.

Submissions (6):

Molecular Diagnostic Laboratory for Inherited Cardiovascular Disease, Montreal Heart Institute
Classification: Uncertain significance for Cardiovascular phenotype. Last evaluated: 2025-04-09. Review status: criteria provided, single submitter. Criteria: ACMG Guidelines, 2015. Collection method: clinical testing. Allele origin: germline. Affected: yes.
Comment: PVS1_supp

Ambry Genetics
Classification: Uncertain significance for Cardiovascular phenotype. Last evaluated: 2024-05-02. Review status: criteria provided, single submitter. Criteria: Ambry Variant Classification Scheme 2023. Collection method: clinical testing. Allele origin: germline.
Comment: The c.-4C>T variant is located in the 5' untranslated region (5&rsquo; UTR) of the BAG3 gene. This variant results from a C to T substitution 4 nucleotides upstream from the first translated codon. This nucleotide position is well conserved in available vertebrate species. Based on the available evidence, the clinical significance of this variant remains unclear.

GeneDx
Classification: Likely benign. Last evaluated: 2021-06-07. Review status: criteria provided, single submitter. Criteria: GeneDx Variant Classification Process June 2021. Collection method: clinical testing. Allele origin: germline. Affected: yes.

Illumina Laboratory Services, Illumina
Classification: Likely benign for Myofibrillar myopathy 6. Last evaluated: 2018-01-13. Review status: criteria provided, single submitter. Criteria: ICSL Variant Classification Criteria 13 December 2019. Collection method: clinical testing. Allele origin: germline.
Comment: This variant was observed in the ICSL laboratory as part of a predisposition screen in an ostensibly healthy population. It had not been previously curated by ICSL or reported in the Human Gene Mutation Database (HGMD: prior to June 1st, 2018), and was therefore a candidate for classification through an automated scoring system. Utilizing variant allele frequency, disease prevalence and penetrance estimates, and inheritance mode, an automated score was calculated to assess if this variant is too frequent to cause the disease. Based on the score and internal cut-off values, a variant classified as likely benign is not then subjected to further curation. The score for this variant resulted in a classification of likely benign for this disease.

Illumina Laboratory Services, Illumina
Classification: Uncertain significance for Dilated cardiomyopathy 1HH. Last evaluated: 2018-01-13. Review status: criteria provided, single submitter. Criteria: ICSL Variant Classification Criteria 13 December 2019. Collection method: clinical testing. Allele origin: germline.

Laboratory for Molecular Medicine, Mass General Brigham Personalized Medicine
Classification: Uncertain significance. Last evaluated: 2014-06-27. Review status: criteria provided, single submitter. Criteria: LMM Criteria. Collection method: clinical testing. Allele origin: germline. Observed: 1 variant allele.
Comment: The -4C>T variant in BAG3 has not been previously reported in individuals with c ardiomyopathy. Data from large population studies is insufficient to assess the frequency of this variant. This variant is located in the 5' UTR and is part of the translation initiation (Kozak) sequence but its effect on translation is unk nown. In summary, the clinical significance of the -4C>T variant is uncertain.